The following is an entry in ClinVar:

NM_000459.5(TEK):c.2546G>A (p.Arg849Gln)

Gene: TEK (TEK receptor tyrosine kinase; plus strand). Cytogenetic location: 9p21.2.
Variant type: single nucleotide variant.
Coding change: c.2546G>A on transcript NM_000459.5 (MANE Select); coding-DNA position 2546, G replaced by A.
Protein change: p.Arg849Gln; replaces arginine 849 with glutamine.
Molecular consequence: missense variant.
Genome position (GRCh38, 1-based): chr9:27,206,763, G>A. VCF-style: chr9-27206763-G-A. GRCh37 (hg19) VCF-style: chr9-27206761-G-A.
Other names: c.2417G>A, p.Arg806Gln (NM_001290077.2); c.2102G>A, p.Arg701Gln (NM_001290078.2); c.2543G>A, p.Arg848Gln (NM_001375475.1); c.2414G>A, p.Arg805Gln (NM_001375476.1); short protein forms R805Q, R849Q, R848Q, R701Q, R806Q.
Identifiers: ClinVar variation 976620 (VCV000976620.5), dbSNP rs376225163, ClinGen allele CA5016511.
Genomic context (GRCh38, chr9:27,206,763, plus strand): 5'-TGATTGGGGAGGGCAATTTTGGCCAAGTTCTTAAGGCGCGCATCAAGAAGGATGGGTTAC[G>A]GATGGATGCTGCCATCAAAAGAATGAAAGGTCAGTGGTTGACCAGATAGAGTCAGCATTG-3'
Protein context (NP_000450.3, residues 839-859): LKARIKKDGL[Arg849Gln]MDAAIKRMKE

ClinVar aggregate classification (germline): Conflicting classifications of pathogenicity. Review status: criteria provided, conflicting classifications (1 of 4 stars). 2 submissions from 2 submitters: Uncertain significance (1); Benign (1). Last evaluated 2022-11-10.

Conditions:
Multiple cutaneous and mucosal venous malformations (VMCM). Also called: TEK-Related Multiple Cutaneous and Mucosal Venous Malformations (VMCM). Identifiers: Orphanet 2451, MedGen C1838437, MONDO:0010842, OMIM 600195.
TEK-related disorder. Also called: TEK-related condition.

Allele frequency attached by ClinVar (database versions not stated): gnomAD exomes 0.00004 and 0.00007; ExAC 0.00005; gnomAD 0.00004; ESP Exome Variant Server 0.00023; TOPMed 0.00003.
gnomAD v4.1: 107 of 1,613,920 alleles (0.0066%); highest among the groups gnomAD compares: Non-Finnish European, 0.0085%; no homozygotes.

Submissions (2):

PreventionGenetics, part of Exact Sciences
Classification: Uncertain significance for TEK-related condition. Last evaluated: 2022-11-10. Review status: criteria provided, single submitter. Criteria: ACMG Guidelines, 2015. Collection method: clinical testing. Allele origin: germline.
Comment: The TEK c.2546G>A variant is predicted to result in the amino acid substitution p.Arg849Gln. To our knowledge, this variant has not been reported in the literature. This variant is reported in 0.0085% of alleles in individuals of Latino descent in gnomAD. An alternate nucleotide change at the same amino acid (p.Arg849Trp) has been reported with venous malformations (Vikkula et al. 1996. PubMed ID: 8980225; Wouters et al. 2010. PubMed ID: 19888299). At this time, the clinical significance of the c.2546G>A (p.Arg849Gln) variant is uncertain due to the absence of conclusive functional and genetic evidence.

Illumina Laboratory Services, Illumina
Classification: Benign for Multiple cutaneous and mucosal venous malformations. Last evaluated: 2018-01-13. Review status: criteria provided, single submitter. Criteria: ICSL Variant Classification Criteria 13 December 2019. Collection method: clinical testing. Allele origin: germline.
Comment: This variant was observed in the ICSL laboratory as part of a predisposition screen in an ostensibly healthy population. It had not been previously curated by ICSL or reported in the Human Gene Mutation Database (HGMD: prior to June 1st, 2018), and was therefore a candidate for classification through an automated scoring system. Utilizing variant allele frequency, disease prevalence and penetrance estimates, and inheritance mode, an automated score was calculated to assess if this variant is too frequent to cause the disease. Based on the score and internal cut-off values, a variant classified as benign is not then subjected to further curation. The score for this variant resulted in a classification of benign for this disease.